The following is an entry in ClinVar:

NM_032242.4(PLXNA1):c.3505C>G (p.Leu1169Val)

Gene: PLXNA1 (plexin A1; plus strand). Cytogenetic location: 3q21.3.
Variant type: single nucleotide variant.
Coding change: c.3505C>G on transcript NM_032242.4 (MANE Select); coding-DNA position 3505, C replaced by G.
Protein change: p.Leu1169Val; replaces leucine 1169 with valine.
Molecular consequence: missense variant.
Genome position (GRCh38, 1-based): chr3:127,017,653, C>G. VCF-style: chr3-127017653-C-G. GRCh37 (hg19) VCF-style: chr3-126736496-C-G.
Other names: short protein forms L1169V.
Identifiers: ClinVar variation 4992410 (VCV004992410.1).

ClinVar aggregate classification (germline): Uncertain significance (1 of 4 stars; one submission).

Conditions:
PLXNA1-related disorder. Also called: PLXNA1-related condition.

Submission:

PreventionGenetics, part of Exact Sciences
Classification: Uncertain significance for PLXNA1-related condition. Last evaluated: 2025-12-11. Review status: criteria provided, single submitter. Criteria: ACMG Guidelines, 2015. Collection method: clinical testing. Allele origin: germline.
Comment: The PLXNA1 c.3505C>G variant is predicted to result in the amino acid substitution p.Leu1169Val. To our knowledge, this variant has not been reported in the literature or in a large population database (gnomAD), indicating this variant is rare. At this time, the clinical significance of this variant is uncertain due to the absence of conclusive functional and genetic evidence.